The following is an entry in ClinVar:

ClinVar aggregate classification (germline): Uncertain significance. Review status: criteria provided, multiple submitters, no conflicts (2 of 4 stars). 2 submissions from 2 submitters: Uncertain significance (2). Last evaluated 2026-02-25.

Conditions:
Hereditary spastic paraplegia 11. Also called: SPASTIC PARAPLEGIA, AUTOSOMAL RECESSIVE, COMPLICATED, WITH THIN CORPUS CALLOSUM; SPASTIC PARAPLEGIA, AUTOSOMAL RECESSIVE, WITH MENTAL IMPAIRMENT AND THIN CORPUS CALLOSUM; Spastic Paraplegia 11; Nakamura Osame syndrome; Autosomal recessive hereditary spastic paraplegia, mental impairment, and thin corpus callosum; Spastic paraplegia, mental retardation and thin corpus callosum. Identifiers: Orphanet 2822, MedGen C1858479, MONDO:0011445, OMIM 604360.

Submissions (2):

GeneDx
Classification: Uncertain significance. Last evaluated: 2026-02-25. Review status: criteria provided, single submitter. Criteria: GeneDx Variant Classification Process June 2021. Collection method: clinical testing. Allele origin: germline.
Comment: Not observed at significant frequency in large population cohorts (gnomAD); In silico analysis suggests that this missense variant does not alter protein structure/function; Has not been previously published as pathogenic or benign to our knowledge; This variant is associated with the following publications: (PMID: 28202015)

Labcorp Genetics (formerly Invitae), Labcorp
Classification: Uncertain significance for Hereditary spastic paraplegia 11. Last evaluated: 2021-11-21. Review status: criteria provided, single submitter. Criteria: Invitae Variant Classification Sherloc (09022015). Collection method: clinical testing. Allele origin: germline.
Comment: This variant has not been reported in the literature in individuals affected with SPG11-related conditions. In summary, the available evidence is currently insufficient to determine the role of this variant in disease. Therefore, it has been classified as a Variant of Uncertain Significance. Algorithms developed to predict the effect of missense changes on protein structure and function output the following: SIFT: "Tolerated"; PolyPhen-2: "Benign"; Align-GVGD: "Class C0". The leucine amino acid residue is found in multiple mammalian species, which suggests that this missense change does not adversely affect protein function. This variant is present in population databases (rs778937794, gnomAD 0.003%). This sequence change replaces valine, which is neutral and non-polar, with leucine, which is neutral and non-polar, at codon 430 of the SPG11 protein (p.Val430Leu).

NM_025137.4(SPG11):c.1288G>T (p.Val430Leu)

Gene: SPG11 (SPG11 vesicle trafficking associated, spatacsin; minus strand). Cytogenetic location: 15q21.1.
Variant type: single nucleotide variant.
Coding change: c.1288G>T on transcript NM_025137.4 (MANE Select); coding-DNA position 1288, G replaced by T.
Protein change: p.Val430Leu; replaces valine 430 with leucine.
Molecular consequence: missense variant.
Genome position (GRCh38, 1-based): chr15:44,651,659, C>A on the plus strand (G>T on the coding strand, the complement: SPG11 is on the minus strand). VCF-style: chr15-44651659-C-A. GRCh37 (hg19) VCF-style: chr15-44943857-C-A.
Other names: c.1288G>T (NM_025137.3); c.1288G>T, p.Val430Leu (NM_001160227.2); short protein forms V430L.
Identifiers: ClinVar variation 1349606 (VCV001349606.7), dbSNP rs778937794, ClinGen allele CA7535580.